The following is an entry in ClinVar:

NM_182746.3(MCM4):c.1578C>G (p.Leu526=)

Gene: MCM4 (minichromosome maintenance complex component 4; plus strand). Cytogenetic location: 8q11.21.
Variant type: single nucleotide variant.
Coding change: c.1578C>G on transcript NM_182746.3 (MANE Select); coding-DNA position 1578, C replaced by G.
Protein change: p.Leu526=; no amino-acid change (leucine 526 retained).
Molecular consequence: synonymous variant.
Genome position (GRCh38, 1-based): chr8:47,970,654, C>G. VCF-style: chr8-47970654-C-G. GRCh37 (hg19) VCF-style: chr8-48883214-C-G.
Other names: c.1578C>G, p.Leu526= (LRG_1239t1, NM_005914.4).
Identifiers: ClinVar variation 363234 (VCV000363234.17), dbSNP rs34157149, ClinGen allele CA4742653.

ClinVar aggregate classification (germline): Conflicting classifications of pathogenicity. Review status: criteria provided, conflicting classifications (1 of 4 stars). 5 submissions from 5 submitters: Uncertain significance (1); Likely benign (3). 1 of the submissions does not count toward it. Last evaluated 2026-07-01.

Conditions:
MCM4-related disorder. Also called: MCM4-related condition.
Primary immunodeficiency with natural-killer cell deficiency and adrenal insufficiency (IMD54). Also called: IMMUNODEFICIENCY 54; Natural killer cell and glucocorticoid deficiency with DNA repair defect. Identifiers: Orphanet 75391, MedGen C1864947, MONDO:0012383, OMIM 609981.

Allele frequency attached by ClinVar (database versions not stated): 1000 Genomes Project 30x 0.00016; TOPMed 0.00017.
gnomAD v4.1: 659 of 1,614,164 alleles (0.041%); highest among the groups gnomAD compares: Non-Finnish European, 0.051%; no homozygotes.

Submissions (5):

CeGaT Center for Human Genetics Tuebingen
Classification: Likely benign. Last evaluated: 2026-07-01. Review status: criteria provided, single submitter. Criteria: CeGaT Center For Human Genetics Tuebingen Variant Classification Criteria Version 2. Collection method: clinical testing. Allele origin: germline. Affected: yes. Observed: 1 variant allele.
Comment: MCM4: BP4, BP7

Labcorp Genetics (formerly Invitae), Labcorp
Classification: Likely benign. Last evaluated: 2026-01-12. Review status: criteria provided, single submitter. Criteria: Invitae Variant Classification Sherloc (09022015). Collection method: clinical testing. Allele origin: germline.

Blueprint Genetics
Classification: Likely benign. Last evaluated: 2024-09-19. Review status: criteria provided, single submitter. Criteria: ACMG Guidelines, 2015. Collection method: clinical testing. Allele origin: germline.

Illumina Laboratory Services, Illumina
Classification: Uncertain significance for Primary immunodeficiency with natural-killer cell deficiency and adrenal insufficiency. Last evaluated: 2018-01-13. Review status: criteria provided, single submitter. Criteria: ICSL Variant Classification Criteria 13 December 2019. Collection method: clinical testing. Allele origin: germline.

PreventionGenetics, part of Exact Sciences
Classification: Likely benign for MCM4-related condition. Last evaluated: 2019-02-21. Review status: no assertion criteria provided. Collection method: clinical testing. Allele origin: germline. Not counted in ClinVar's aggregate classification.
Comment: This variant is classified as likely benign based on ACMG/AMP sequence variant interpretation guidelines (Richards et al. 2015 PMID: 25741868, with internal and published modifications).